The following is an entry in ClinVar:

ClinVar aggregate classification (germline): Likely benign. Review status: criteria provided, multiple submitters, no conflicts (2 of 4 stars). 3 submissions from 3 submitters: Likely benign (3). Last evaluated 2024-02-05.

Allele frequency attached by ClinVar (database versions not stated): gnomAD 0.00002; TOPMed 0.00002; gnomAD exomes 0.00003.
gnomAD v4.1: 41 of 1,613,874 alleles (0.0025%); highest among the groups gnomAD compares: Non-Finnish European, 0.0034%; no homozygotes.

Submissions (3):

Labcorp Genetics (formerly Invitae), Labcorp
Classification: Likely benign. Last evaluated: 2024-02-05. Review status: criteria provided, single submitter. Criteria: Invitae Variant Classification Sherloc (09022015). Collection method: clinical testing. Allele origin: germline.

CeGaT Center for Human Genetics Tuebingen
Classification: Likely benign. Last evaluated: 2023-04-01. Review status: criteria provided, single submitter. Criteria: CeGaT Center For Human Genetics Tuebingen Variant Classification Criteria Version 2. Collection method: clinical testing. Allele origin: germline. Affected: yes. Observed: 1 variant allele.
Comment: ABCA4: BP4, BP7

Blueprint Genetics
Classification: Likely benign. Last evaluated: 2022-12-05. Review status: criteria provided, single submitter. Criteria: ACMG Guidelines, 2015. Collection method: clinical testing. Allele origin: germline.

NM_000350.3(ABCA4):c.1773T>A (p.Ser591=)

Gene: ABCA4 (ATP binding cassette subfamily A member 4; minus strand). Cytogenetic location: 1p22.1.
Variant type: single nucleotide variant.
Coding change: c.1773T>A on transcript NM_000350.3 (MANE Select); coding-DNA position 1773, T replaced by A.
Protein change: p.Ser591=; no amino-acid change (serine 591 retained).
Molecular consequence: synonymous variant.
Genome position (GRCh38, 1-based): chr1:94,062,741, A>T on the plus strand (T>A on the coding strand, the complement: ABCA4 is on the minus strand). VCF-style: chr1-94062741-A-T. GRCh37 (hg19) VCF-style: chr1-94528297-A-T.
Other names: c.1773T>A, p.Ser591= (NM_001425324.1).
Identifiers: ClinVar variation 964214 (VCV000964214.37), dbSNP rs779659025, ClinGen allele CA958424.
Genomic context (GRCh38, chr1:94,062,741, plus strand): 5'-CAGATAGGCAAACCCGCCCCAGATGTACCGGAAATCTTCCACGGGATCAGCTCTGGGACC[A>T]GAATCCCAATACCTGAGAAGACACAGAGGGACAAAGGATGGGAACGGGCTTGGATAGCTC-3'
Protein context (NP_000341.2, residues 581-601): TNKIKDRYWD[Ser591=]GPRADPVEDF